The following is an entry in ClinVar:

NM_005996.4(TBX3):c.363C>G (p.Thr121=)

Genes: TBX3 (T-box transcription factor 3; minus strand), TBX3-AS1 (TBX3 antisense RNA 1; plus strand). Cytogenetic location: 12q24.21.
Variant type: single nucleotide variant.
Coding change: c.363C>G on transcript NM_005996.4 (MANE Select); coding-DNA position 363, C replaced by G.
Protein change: p.Thr121=; no amino-acid change (threonine 121 retained).
Molecular consequence: synonymous variant.
Genome position (GRCh38, 1-based): chr12:114,682,838, G>C on the plus strand (C>G on the coding strand, the complement: TBX3 is on the minus strand). VCF-style: chr12-114682838-G-C. GRCh37 (hg19) VCF-style: chr12-115120643-G-C.
Other names: c.363C>G, p.Thr121= (NM_016569.4).
Identifiers: ClinVar variation 4997706 (VCV004997706.1).
Genomic context (GRCh38, chr12:114,682,838, plus strand): 5'-CAACAGCTTAGGGGAGGAGGCCCCCACTGCTTACCTTCCCGACTTGGTAATGACCATCTC[G>C]GTGCCCCGCTTGTGAAACTGATCCCAAAGTTCTTTAGCCTCCAGGTGCACCTTGGGGTCG-3'
Protein context (NP_005987.3, residues 111-131): ELWDQFHKRG[Thr121=]EMVITKSGRR

ClinVar aggregate classification (germline): Likely benign (1 of 4 stars; one submission).

Conditions:
TBX3-related disorder. Also called: TBX3-related condition.

Submission:

PreventionGenetics, part of Exact Sciences
Classification: Likely benign for TBX3-related condition. Last evaluated: 2025-03-01. Review status: criteria provided, single submitter. Criteria: ACMG Guidelines, 2015. Collection method: clinical testing. Allele origin: germline.
Comment: This variant is classified as likely benign based on ACMG/AMP sequence variant interpretation guidelines (Richards et al. 2015 PMID: 25741868, with internal and published modifications).